The following is an entry in ClinVar:

ClinVar aggregate classification (germline): Conflicting classifications of pathogenicity. Review status: criteria provided, conflicting classifications (1 of 4 stars). 3 submissions from 3 submitters: Uncertain significance (1); Likely benign (2). Last evaluated 2026-01-12.

Conditions:
MYO18B-related disorder. Also called: MYO18B-related condition.
Inborn genetic diseases. Identifiers: MedGen C0950123, MeSH D030342.

Allele frequency attached by ClinVar (database versions not stated): TOPMed 0.00006; ESP Exome Variant Server 0.00008; gnomAD exomes 0.00027; gnomAD 0.00054; ExAC 0.00060; 1000 Genomes Project 0.00100; 1000 Genomes Project 30x 0.00125.
gnomAD v4.1: 471 of 1,613,978 alleles (0.029%); highest among the groups gnomAD compares: East Asian, 0.12%; 3 homozygotes.

Submissions (3):

Labcorp Genetics (formerly Invitae), Labcorp
Classification: Likely benign. Last evaluated: 2026-01-12. Review status: criteria provided, single submitter. Criteria: Invitae Variant Classification Sherloc (09022015). Collection method: clinical testing. Allele origin: germline.

PreventionGenetics, part of Exact Sciences
Classification: Likely benign for MYO18B-related condition. Last evaluated: 2025-06-23. Review status: criteria provided, single submitter. Criteria: ACMG Guidelines, 2015. Collection method: clinical testing. Allele origin: germline.
Comment: This variant is classified as likely benign based on ACMG/AMP sequence variant interpretation guidelines (Richards et al. 2015 PMID: 25741868, with internal and published modifications).

Ambry Genetics
Classification: Uncertain significance for Inborn genetic diseases. Last evaluated: 2023-06-29. Review status: criteria provided, single submitter. Criteria: Ambry Variant Classification Scheme 2023. Collection method: clinical testing. Allele origin: germline.

NM_032608.7(MYO18B):c.7583C>G (p.Pro2528Arg)

Gene: MYO18B (myosin XVIIIB; plus strand). Cytogenetic location: 22q12.1.
Variant type: single nucleotide variant.
Coding change: c.7583C>G on transcript NM_032608.7 (MANE Select); coding-DNA position 7583, C replaced by G.
Protein change: p.Pro2528Arg; replaces proline 2528 with arginine.
Molecular consequence: missense variant.
Genome position (GRCh38, 1-based): chr22:26,027,557, C>G. VCF-style: chr22-26027557-C-G. GRCh37 (hg19) VCF-style: chr22-26423523-C-G.
Other names: c.7586C>G, p.Pro2529Arg (NM_001318245.2); c.7583C>G (NM_032608.6, NM_032608.5); short protein forms P2528R, P2529R.
Identifiers: ClinVar variation 2413307 (VCV002413307.9), dbSNP rs189538616, ClinGen allele CA10161812.